The following is an entry in ClinVar:

ClinVar aggregate classification (germline): Uncertain significance. Review status: criteria provided, multiple submitters, no conflicts (2 of 4 stars). 2 submissions from 2 submitters: Uncertain significance (2). Last evaluated 2024-07-20.

Conditions:
Malignant hyperthermia, susceptibility to, 1 (MHS1). Also called: Anesthesia related hyperthermia; Malignant hyperpyrexia; Fulminating hyperpyrexia; Pharmacogenic myopathy; Malignant hyperthermia suceptibility 1; RYR1-Related Malignant Hyperthermia Susceptibility. Identifiers: Orphanet 423, MedGen C2930980, MONDO:0007783, OMIM 145600.

Submissions (2):

All of Us Research Program, National Institutes of Health
Classification: Uncertain significance for Malignant hyperthermia, susceptibility to, 1. Last evaluated: 2024-07-20. Review status: criteria provided, single submitter. Criteria: ACMG Guidelines, 2015. Collection method: clinical testing. Allele origin: germline. Inheritance: Autosomal dominant inheritance. Observed: 1 variant allele, 1 heterozygote.
Comment: This variant results in the in-frame deletion of one amino acid, isoleucine at codon 916, in the RYR1 protein. To our knowledge, functional studies have not been reported for this variant. This variant has not been reported in individuals affected with RYR1-related disorders in the literature. This variant has not been identified in the general population by the Genome Aggregation Database (gnomAD). The available evidence is insufficient to determine the role of this variant in disease conclusively. Therefore, this variant is classified as a Variant of Uncertain Significance.

This study involves interpretation of variants in research participants for the purpose of population health screening. Participant phenotype was not available at the time of variant classification. Additional details can be found in publication PMID: 35346344, PMCID: PMC8962531

Color Diagnostics, LLC DBA Color Health
Classification: Uncertain significance for Malignant hyperthermia, susceptibility to, 1. Last evaluated: 2024-07-11. Review status: criteria provided, single submitter. Criteria: ACMG Guidelines, 2015. Collection method: clinical testing. Allele origin: germline.
Comment: This variant results in the in-frame deletion of one amino acid, isoleucine at codon 916, in the RYR1 protein. To our knowledge, functional studies have not been reported for this variant. This variant has not been reported in individuals affected with RYR1-related disorders in the literature. This variant has not been identified in the general population by the Genome Aggregation Database (gnomAD). The available evidence is insufficient to determine the role of this variant in disease conclusively. Therefore, this variant is classified as a Variant of Uncertain Significance.

NM_000540.3(RYR1):c.11739CAT[2] (p.Ile3916del)

Gene: RYR1 (ryanodine receptor 1; plus strand). Cytogenetic location: 19q13.2.
Variant type: Microsatellite.
Coding change: c.11739CAT[2] on transcript NM_000540.3 (MANE Select); two copies in a row of the 3-base unit CAT starting at c.11739; the reference has three copies in a row; one copy, 3 bases deleted; also written c.11745_11747del.
Protein change: p.Ile3916del; deletes isoleucine 3916.
Genome position (GRCh38, 1-based): chr19:38,543,402-38,543,404, CAT deleted; deleting any 3 consecutive bases within chr19:38,543,396-38,543,404 gives the same sequence; the position shown is the placement nearest the transcript's 3' end. VCF-style (leftmost placement, unchanged base first): chr19-38543395-ACAT-A. GRCh37 (hg19) VCF-style: chr19-39034035-ACAT-A.
Other names: c.11745_11747del (NM_000540.3); c.11724CAT[2], p.Ile3911del (NM_001042723.2); short protein forms I3911del, I3916del.
Identifiers: ClinVar variation 3385565 (VCV003385565.2).
Genomic context (GRCh38, chr19:38,543,395, plus strand): 5'-TCATCTCCCCAGATTTCCAGAACTACCTACGGACACAGACAGGGAACACGACCACTATTA[ACAT>A]CATCATTTGCACTGTGGACTACCTCCTGCGGCTGCAGGTGAGGACGTGAGACGGTTCAGG-3'